The following is an entry in ClinVar:

ClinVar aggregate classification (germline): Pathogenic (1 of 4 stars; one submission).

Submission:

GeneDx
Classification: Pathogenic. Last evaluated: 2018-12-05. Review status: criteria provided, single submitter. Criteria: GeneDx Variant Classification (06012015). Collection method: clinical testing. Allele origin: germline. Affected: yes.
Comment: The Y444X nonsense variant is predicted to cause loss of normal protein function either through protein truncation or nonsense-mediated mRNA decay. The Y444X variant is not observed in large population cohorts (Lek et al., 2016). Therefore, Y444X is considered to be a pathogenic variant.

NM_015192.4(PLCB1):c.1332T>A (p.Tyr444Ter)

Gene: PLCB1 (phospholipase C beta 1; plus strand). Cytogenetic location: 20p12.3.
Variant type: single nucleotide variant.
Coding change: c.1332T>A on transcript NM_015192.4 (MANE Select); coding-DNA position 1332, T replaced by A.
Protein change: p.Tyr444Ter; replaces tyrosine 444 with a stop codon.
Molecular consequence: nonsense.
Genome position (GRCh38, 1-based): chr20:8,716,345, T>A. VCF-style: chr20-8716345-T-A. GRCh37 (hg19) VCF-style: chr20-8696992-T-A.
Other names: c.1332T>A, p.Tyr444Ter (NM_182734.3); short protein forms Y444*.
Identifiers: ClinVar variation 620493 (VCV000620493.1), dbSNP rs1568571093, ClinGen allele CA408200425.